The following is an entry in ClinVar:

ClinVar aggregate classification (germline): Pathogenic. Review status: criteria provided, multiple submitters, no conflicts (2 of 4 stars). 2 submissions from 2 submitters: Pathogenic (2). Last evaluated 2022-07-21.

Conditions:
PHEX-related disorder. Also called: PHEX-related condition.

Submissions (3):

Blueprint Genetics
Classification: Pathogenic for PHEX-related disorders. Last evaluated: 2022-07-21. Review status: criteria provided, single submitter. Criteria: ACMG Guidelines, 2015. Collection method: clinical testing. Allele origin: germline. Affected: yes. Observed: 1 variant allele.

Labcorp Genetics (formerly Invitae), Labcorp
Classification: Pathogenic. Last evaluated: 2022-01-12. Review status: criteria provided, single submitter. Criteria: Invitae Variant Classification Sherloc (09022015). Collection method: clinical testing. Allele origin: germline.
Comment: This sequence change affects a donor splice site in intron 11 of the PHEX gene. It is expected to disrupt RNA splicing. Variants that disrupt the donor or acceptor splice site typically lead to a loss of protein function (PMID: 16199547), and loss-of-function variants in PHEX are known to be pathogenic (PMID: 9097956, 9106524, 19219621). This variant is not present in population databases (gnomAD no frequency). Disruption of this splice site has been observed in individual(s) with bone dysplasia and/or hypophosphataemia (PMID: 26377240, 32253725). In at least one individual the variant was observed to be de novo. Algorithms developed to predict the effect of sequence changes on RNA splicing suggest that this variant may disrupt the consensus splice site. For these reasons, this variant has been classified as Pathogenic.

Dr. Peter K. Rogan Lab, Western University
No classification provided (evidence only). Condition: Thyroid cancer, nonmedullary, 1. Review status: no classification provided. Collection method: in vitro. Allele origin: not applicable. Functional consequence: retained intron. Not counted in ClinVar's aggregate classification.

Literature cited by the submitters: PubMed 16199547 (cited by Labcorp Genetics (formerly Invitae), Labcorp); PubMed 9097956 (cited by Labcorp Genetics (formerly Invitae), Labcorp); PubMed 9106524 (cited by Labcorp Genetics (formerly Invitae), Labcorp); PubMed 19219621 (cited by Labcorp Genetics (formerly Invitae), Labcorp); PubMed 26377240 (cited by Labcorp Genetics (formerly Invitae), Labcorp); PubMed 32253725 (cited by Labcorp Genetics (formerly Invitae), Labcorp).

NM_000444.6(PHEX):c.1302+1G>A

Gene: PHEX (phosphate regulating endopeptidase X-linked; plus strand). Cytogenetic location: Xp22.11.
Variant type: single nucleotide variant.
Coding change: c.1302+1G>A on transcript NM_000444.6 (MANE Select); the canonical splice donor site of the intron after coding-DNA position 1302, G replaced by A.
Molecular consequence: splice donor variant.
Genome position (GRCh38, 1-based): chrX:22,114,587, G>A. VCF-style: chrX-22114587-G-A. GRCh37 (hg19) VCF-style: chrX-22132705-G-A.
Other names: c.1302+1G>A (NM_001282754.2).
Identifiers: ClinVar variation 1408891 (VCV001408891.8), dbSNP rs1131691841, ClinGen allele CA412573817.